The following is an entry in ClinVar:

NM_004999.4(MYO6):c.3520C>T (p.Pro1174Ser)

Gene: MYO6 (myosin VI; plus strand). Cytogenetic location: 6q14.1.
Variant type: single nucleotide variant.
Coding change: c.3520C>T on transcript NM_004999.4 (MANE Select); coding-DNA position 3520, C replaced by T.
Protein change: p.Pro1174Ser; replaces proline 1174 with serine.
Molecular consequence: missense variant. On other transcripts: non-coding transcript variant (1).
Genome position (GRCh38, 1-based): chr6:75,914,143, C>T. VCF-style: chr6-75914143-C-T. GRCh37 (hg19) VCF-style: chr6-76623860-C-T.
Other names: c.3451C>T, p.Pro1151Ser (NM_001300899.2); c.3424C>T, p.Pro1142Ser (NM_001368136.1); c.3481C>T, p.Pro1161Ser (NM_001368137.1); c.3436C>T, p.Pro1146Ser (NM_001368138.1); c.3547C>T, p.Pro1183Ser (NM_001368865.1); c.3520C>T, p.Pro1174Ser (NM_001368866.1); short protein forms P1142S, P1174S, P1146S, P1161S, P1183S, P1151S.
Identifiers: ClinVar variation 2986681 (VCV002986681.3), dbSNP rs950765065, ClinGen allele CA141060202.
Genomic context (GRCh38, chr6:75,914,143, plus strand): 5'-CAGATTCCTGCCAGGCAGCGGGAGATTGAAATGAACCGACAGCAACGCTTCTTCCGCATC[C>T]CATTCATCCGCCCTGCCGACCAGTACAAAGACCCTCAGAGTAAGAAAAAAGGCTGGTGGT-3'
Protein context (NP_004990.3, residues 1164-1184): MNRQQRFFRI[Pro1174Ser]FIRPADQYKD

ClinVar aggregate classification (germline): Uncertain significance (1 of 4 stars; one submission).

Allele frequency attached by ClinVar (database versions not stated): gnomAD exomes below 0.00001; TOPMed 0.00001.
gnomAD v4.1: 1 of 1,614,084 alleles (0.000062%); highest among the groups gnomAD compares: Admixed American, 0.0017%; no homozygotes.

Submission:

Labcorp Genetics (formerly Invitae), Labcorp
Classification: Uncertain significance. Last evaluated: 2024-02-28. Review status: criteria provided, single submitter. Criteria: Invitae Variant Classification Sherloc (09022015). Collection method: clinical testing. Allele origin: germline.
Comment: This sequence change replaces proline, which is neutral and non-polar, with serine, which is neutral and polar, at codon 1174 of the MYO6 protein (p.Pro1174Ser). This variant is present in population databases (no rsID available, gnomAD 0.003%). This variant has not been reported in the literature in individuals affected with MYO6-related conditions. Advanced modeling of protein sequence and biophysical properties (such as structural, functional, and spatial information, amino acid conservation, physicochemical variation, residue mobility, and thermodynamic stability) performed at Invitae indicates that this missense variant is not expected to disrupt MYO6 protein function with a negative predictive value of 80%. In summary, the available evidence is currently insufficient to determine the role of this variant in disease. Therefore, it has been classified as a Variant of Uncertain Significance.